The following is an entry in ClinVar:

ClinVar aggregate classification (germline): Uncertain significance (1 of 4 stars; one submission).

Submission:

ISCA site 15
Classification: Uncertain significance. Last evaluated: 2011-08-12. Review status: criteria provided, single submitter. Criteria: Kaminsky et al. (Genet Med. 2011). Collection method: clinical testing. Allele origin: maternal. Affected: yes. Observed: 1 variant allele.
Comment: Copy number variation identified through the course of routine clinical cytogenomic testing in postnatal populations. Clinical assertions have been curated as described in Kaminsky et al. 2011.

GRCh38/hg38 21p11.2(chr21:7743711-7865746)x3

Genes: LOC102723451 (family with sequence similarity 243 member B; minus strand), LOC102723475 (potassium voltage-gated channel subfamily E regulatory subunit 1B; minus strand), LOC102723553 (small integral membrane protein 11B; plus strand), LOC107983987 (small integral membrane protein 34B; minus strand). Cytogenetic location: 21p11.2.
Variant type: copy number gain.
Change: copy number 3 (three copies instead of two) of chr21:7,743,711-7,865,746 (122.0 kb, GRCh38 coordinates, 1-based), cytogenetic band 21p11.2.
Identifiers: ClinVar variation 59030 (VCV000059030.1).